The following is an entry in ClinVar:

NM_001126128.2(PROK2):c.-35A>G

Gene: PROK2 (prokineticin 2; minus strand). Cytogenetic location: 3p13.
Variant type: single nucleotide variant.
Coding change: c.-35A>G on transcript NM_001126128.2 (MANE Select); 35 bases upstream of the start codon, A replaced by G.
Molecular consequence: 5 prime UTR variant.
Genome position (GRCh38, 1-based): chr3:71,785,087, T>C on the plus strand (A>G on the coding strand, the complement: PROK2 is on the minus strand). VCF-style: chr3-71785087-T-C. GRCh37 (hg19) VCF-style: chr3-71834238-T-C.
Other names: c.-35A>G (NM_021935.4).
Identifiers: ClinVar variation 379292 (VCV000379292.2), dbSNP rs571314719, ClinGen allele CA2492031.

ClinVar aggregate classification (germline): Benign. Review status: criteria provided, multiple submitters, no conflicts (2 of 4 stars). 2 submissions from 2 submitters: Benign (2). Last evaluated 2015-11-09.

Allele frequency attached by ClinVar (database versions not stated): gnomAD exomes 0.00158; 1000 Genomes Project 0.01677; gnomAD 0.01811 and 0.01938; 1000 Genomes Project 30x 0.01936; TOPMed 0.02083; ExAC 0.03165.

Submissions (2):

GeneDx
Classification: Benign. Last evaluated: 2015-11-09. Review status: criteria provided, single submitter. Criteria: GeneDx Variant Classification (06012015). Collection method: clinical testing. Allele origin: germline. Affected: yes.
Comment: This variant is considered likely benign or benign based on one or more of the following criteria: it is a conservative change, it occurs at a poorly conserved position in the protein, it is predicted to be benign by multiple in silico algorithms, and/or has population frequency not consistent with disease.

Breakthrough Genomics
Classification: Benign. Review status: criteria provided, single submitter. Criteria: ACMG Guidelines, 2015. Collection method: not provided. Allele origin: germline. Inheritance: Autosomal dominant inheritance. Affected: yes.